The following is an entry in ClinVar:

ClinVar aggregate classification (germline): Uncertain significance (1 of 4 stars; one submission).

Conditions:
Leber congenital amaurosis 2 (LCA2). Also called: AMAUROSIS CONGENITA OF LEBER II; Autosomal Recessive RPE65-Related Retinal Degeneration. Identifiers: Orphanet 65, MedGen C1859844, MONDO:0008765, OMIM 204100. Disease mechanism: loss of function.
Retinitis pigmentosa 20 (RP20). Identifiers: Orphanet 791, MedGen C3151086, MONDO:0013425, OMIM 613794.

Submission:

Labcorp Genetics (formerly Invitae), Labcorp
Classification: Uncertain significance for Leber congenital amaurosis 2; Retinitis pigmentosa 20. Last evaluated: 2022-09-20. Review status: criteria provided, single submitter. Criteria: Invitae Variant Classification Sherloc (09022015). Collection method: clinical testing. Allele origin: germline.
Comment: In summary, the available evidence is currently insufficient to determine the role of this variant in disease. Therefore, it has been classified as a Variant of Uncertain Significance. Algorithms developed to predict the effect of sequence changes on RNA splicing suggest that this variant may create or strengthen a splice site. ClinVar contains an entry for this variant (Variation ID: 1421454). Advanced modeling of protein sequence and biophysical properties (such as structural, functional, and spatial information, amino acid conservation, physicochemical variation, residue mobility, and thermodynamic stability) has been performed at Invitae for this missense variant, however the output from this modeling did not meet the statistical confidence thresholds required to predict the impact of this variant on RPE65 protein function. This variant has not been reported in the literature in individuals affected with RPE65-related conditions. This variant is not present in population databases (gnomAD no frequency). This sequence change replaces aspartic acid, which is acidic and polar, with glycine, which is neutral and non-polar, at codon 87 of the RPE65 protein (p.Asp87Gly).

NM_000329.3(RPE65):c.260A>G (p.Asp87Gly)

Gene: RPE65 (retinoid isomerohydrolase RPE65; minus strand). Cytogenetic location: 1p31.3.
Variant type: single nucleotide variant.
Coding change: c.260A>G on transcript NM_000329.3 (MANE Select); coding-DNA position 260, A replaced by G.
Protein change: p.Asp87Gly; replaces aspartic acid 87 with glycine.
Molecular consequence: missense variant.
Genome position (GRCh38, 1-based): chr1:68,444,869, T>C on the plus strand (A>G on the coding strand, the complement: RPE65 is on the minus strand). VCF-style: chr1-68444869-T-C. GRCh37 (hg19) VCF-style: chr1-68910552-T-C.
Other names: short protein forms D87G.
Identifiers: ClinVar variation 1421454 (VCV001421454.6), dbSNP rs1645931040, ClinGen allele CA340748527.